The following is an entry in ClinVar:

NM_001034850.3(RETREG1):c.355C>G (p.Leu119Val)

Gene: RETREG1 (reticulophagy regulator 1; minus strand). Cytogenetic location: 5p15.1.
Variant type: single nucleotide variant.
Coding change: c.355C>G on transcript NM_001034850.3 (MANE Select); coding-DNA position 355, C replaced by G.
Protein change: p.Leu119Val; replaces leucine 119 with valine.
Molecular consequence: missense variant.
Genome position (GRCh38, 1-based): chr5:16,572,068, G>C on the plus strand (C>G on the coding strand, the complement: RETREG1 is on the minus strand). VCF-style: chr5-16572068-G-C. GRCh37 (hg19) VCF-style: chr5-16572177-G-C.
Other names: short protein forms L119V.
Identifiers: ClinVar variation 1799931 (VCV001799931.8), dbSNP rs1467620688, ClinGen allele CA359292470.

ClinVar aggregate classification (germline): Uncertain significance. Review status: criteria provided, multiple submitters, no conflicts (2 of 4 stars). 2 submissions from 2 submitters: Uncertain significance (2). Last evaluated 2025-02-09.

Conditions:
Inborn genetic diseases. Identifiers: MedGen C0950123, MeSH D030342.

Allele frequency attached by ClinVar (database versions not stated): gnomAD exomes below 0.00001; TOPMed below 0.00001; gnomAD 0.00001.
gnomAD v4.1: 6 of 1,613,596 alleles (0.00037%); highest among the groups gnomAD compares: African/African-American, 0.0013%; no homozygotes.

Submissions (2):

Ambry Genetics
Classification: Uncertain significance for Inborn genetic diseases. Last evaluated: 2025-02-09. Review status: criteria provided, single submitter. Criteria: Ambry Variant Classification Scheme 2023. Collection method: clinical testing. Allele origin: germline.

Labcorp Genetics (formerly Invitae), Labcorp
Classification: Uncertain significance. Last evaluated: 2021-11-29. Review status: criteria provided, single submitter. Criteria: Invitae Variant Classification Sherloc (09022015). Collection method: clinical testing. Allele origin: germline.
Comment: Algorithms developed to predict the effect of sequence changes on RNA splicing suggest that this variant may create or strengthen a splice site. In summary, the available evidence is currently insufficient to determine the role of this variant in disease. Therefore, it has been classified as a Variant of Uncertain Significance. Algorithms developed to predict the effect of missense changes on protein structure and function are either unavailable or do not agree on the potential impact of this missense change (SIFT: "Deleterious"; PolyPhen-2: "Possibly Damaging"; Align-GVGD: "Class C0"). This sequence change replaces leucine, which is neutral and non-polar, with valine, which is neutral and non-polar, at codon 119 of the RETREG1 protein (p.Leu119Val). This variant is present in population databases (no rsID available, gnomAD 0.007%). This variant has not been reported in the literature in individuals affected with RETREG1-related conditions.